The following is an entry in ClinVar:

ClinVar aggregate classification (germline): Uncertain significance (1 of 4 stars; one submission).

Conditions:
Inborn genetic diseases. Identifiers: MedGen C0950123, MeSH D030342.

Submission:

Ambry Genetics
Classification: Uncertain significance for Inborn genetic diseases. Last evaluated: 2025-01-17. Review status: criteria provided, single submitter. Criteria: Ambry Variant Classification Scheme 2023. Collection method: clinical testing. Allele origin: germline.
Comment: The p.D1155E variant (also known as c.3465T>G), located in coding exon 16 of the MECOM gene, results from a T to G substitution at nucleotide position 3465. The aspartic acid at codon 1155 is replaced by glutamic acid, an amino acid with highly similar properties. This amino acid position is conserved. In addition, this alteration is predicted to be tolerated by in silico analysis. Based on the available evidence, the clinical significance of this variant remains unclear.

NM_004991.4(MECOM):c.3465T>G (p.Asp1155Glu)

Gene: MECOM (MDS1 and EVI1 complex locus; minus strand). Cytogenetic location: 3q26.2.
Variant type: single nucleotide variant.
Coding change: c.3465T>G on transcript NM_004991.4 (MANE Select); coding-DNA position 3465, T replaced by G.
Protein change: p.Asp1155Glu; replaces aspartic acid 1155 with glutamic acid.
Molecular consequence: missense variant.
Genome position (GRCh38, 1-based): chr3:169,089,120, A>C on the plus strand (T>G on the coding strand, the complement: MECOM is on the minus strand). VCF-style: chr3-169089120-A-C. GRCh37 (hg19) VCF-style: chr3-168806908-A-C.
Other names: c.3096T>G, p.Asp1032Glu (NM_001105077.4); c.2901T>G, p.Asp967Glu (NM_001105078.4, NM_001205194.2, NM_001366469.2 and 1 more transcripts); c.2877T>G, p.Asp959Glu (NM_001163999.2, NM_001366470.2); c.2874T>G, p.Asp958Glu (NM_001164000.2, NM_001366471.2, NM_001366472.2); c.3438T>G, p.Asp1146Glu (NM_001366466.2); c.2904T>G, p.Asp968Glu (NM_001366467.2, NM_001366468.2); c.2466T>G, p.Asp822Glu (NM_001366473.2); c.1902T>G, p.Asp634Glu (NM_001366474.2); short protein forms D1146E, D1155E, D822E, D959E, D634E, D1032E, D958E, D968E.
Identifiers: ClinVar variation 3871724 (VCV003871724.1).
Genomic context (GRCh38, chr3:169,089,120, plus strand): 5'-AAAAGAAGACAGCTCAGCTTCAGAATATTGATTATCTTCCATTTTCCTCATTTTGAGGCT[A>C]TCTGTGAAGTGCCTTATATGATCTAGAGCAGAAAGTCCACTTTTATATTCTTCCTCTTTA-3'
Protein context (NP_004982.2, residues 1145-1165): SALDHIRHFT[Asp1155Glu]SLKMRKMEDN